The following is an entry in ClinVar:

NM_007294.4(BRCA1):c.3626_3627del (p.Lys1208_Leu1209insTer)

Genes: BRCA1 (BRCA1 DNA repair associated; minus strand), LOC126862571 (BRD4-independent group 4 enhancer GRCh37_chr17:41243136-41244335; plus strand). Cytogenetic location: 17q21.31.
Variant type: Deletion.
Coding change: c.3626_3627del on transcript NM_007294.4 (MANE Select); coding-DNA positions 3626 to 3627, 2 bases deleted (TA; older notation c.3626_3627delTA).
Protein change: p.Lys1208_Leu1209insTer.
Molecular consequence: nonsense. On other transcripts: intron variant (135).
Genome position (GRCh38, 1-based): chr17:43,091,904-43,091,905, TA deleted on the plus strand (TA on the coding strand, the reverse complement: BRCA1 is on the minus strand). VCF-style (leftmost placement, unchanged base first): chr17-43091903-CTA-C. GRCh37 (hg19) VCF-style: chr17-41243920-CTA-C.
Other names: c.3413_3414del, p.Lys1137_Leu1138insTer (NM_001407571.1, NM_001407853.1, NM_001407894.1 and 9 more transcripts); c.3626_3627del, p.Lys1208_Leu1209insTer (NM_001407581.1, NM_001407582.1, NM_001407583.1 and 30 more transcripts); c.3623_3624del, p.Lys1207_Leu1208insTer (NM_001407587.1, NM_001407590.1, NM_001407591.1 and 22 more transcripts); c.3617_3618del, p.Lys1205_Leu1206insTer (NM_001407646.1, NM_001407647.1); c.3503_3504del, p.Lys1167_Leu1168insTer (NM_001407648.1, NM_001407664.1, NM_001407665.1 and 19 more transcripts); c.3500_3501del, p.Lys1166_Leu1167insTer (NM_001407649.1, NM_001407670.1, NM_001407671.1 and 11 more transcripts); c.3548_3549del, p.Lys1182_Leu1183insTer (NM_001407653.1, NM_001407654.1, NM_001407655.1 and 4 more transcripts); c.3545_3546del, p.Lys1181_Leu1182insTer (NM_001407659.1, NM_001407660.1, NM_001407661.1 and 1 more transcripts); and 41 more.
Identifiers: ClinVar variation 2444500 (VCV002444500.1), dbSNP rs2552141220, ClinGen allele CA2580093810.

ClinVar aggregate classification (germline): Pathogenic (1 of 4 stars; one submission).

Conditions:
Breast-ovarian cancer, familial, susceptibility to, 1 (BROVCA1). Also called: BRCA1 Hereditary Breast and Ovarian Cancer; OVARIAN CANCER, SUSCEPTIBILITY TO. Identifiers: Orphanet 145, MedGen C2676676, MONDO:0011450, OMIM 604370. Disease mechanism: loss of function.

Submission:

Gemeinschaftspraxis fuer Humangenetik Dresden
Classification: Pathogenic for Breast-ovarian cancer, familial, susceptibility to, 1. Last evaluated: 2023-02-06. Review status: criteria provided, single submitter. Criteria: ACMG Guidelines, 2015. Collection method: clinical testing. Allele origin: germline. Inheritance: Autosomal dominant inheritance. Affected: yes. Observed: 1 heterozygote.
Comment: This variant is not reported in HGMD 2022.4, gnomAD (v2.1.1), dbSNP (v154), LOVD, BRCA Exchange, ARUP-Laboratories or FLOSSIES (Fabulous Ladies Over Seventy). Due to the protein truncating character the variant is classified as pathogenic.